The following is an entry in ClinVar:

NM_206933.4(USH2A):c.7816A>G (p.Lys2606Glu)

Gene: USH2A (usherin; minus strand). Cytogenetic location: 1q41.
Variant type: single nucleotide variant.
Coding change: c.7816A>G on transcript NM_206933.4 (MANE Select); coding-DNA position 7816, A replaced by G.
Protein change: p.Lys2606Glu; replaces lysine 2606 with glutamic acid.
Molecular consequence: missense variant.
Genome position (GRCh38, 1-based): chr1:215,888,833, T>C on the plus strand (A>G on the coding strand, the complement: USH2A is on the minus strand). VCF-style: chr1-215888833-T-C. GRCh37 (hg19) VCF-style: chr1-216062175-T-C.
Other names: short protein forms K2606E.
Identifiers: ClinVar variation 1484830 (VCV001484830.6), dbSNP rs2102460448, ClinGen allele CA344839841.

ClinVar aggregate classification (germline): Uncertain significance (1 of 4 stars; one submission).

Submission:

Labcorp Genetics (formerly Invitae), Labcorp
Classification: Uncertain significance. Last evaluated: 2022-09-06. Review status: criteria provided, single submitter. Criteria: Invitae Variant Classification Sherloc (09022015). Collection method: clinical testing. Allele origin: germline.
Comment: In summary, the available evidence is currently insufficient to determine the role of this variant in disease. Therefore, it has been classified as a Variant of Uncertain Significance. Algorithms developed to predict the effect of missense changes on protein structure and function are either unavailable or do not agree on the potential impact of this missense change (SIFT: "Deleterious"; PolyPhen-2: "Benign"; Align-GVGD: "Class C0"). ClinVar contains an entry for this variant (Variation ID: 1484830). This variant has not been reported in the literature in individuals affected with USH2A-related conditions. This variant is not present in population databases (gnomAD no frequency). This sequence change replaces lysine, which is basic and polar, with glutamic acid, which is acidic and polar, at codon 2606 of the USH2A protein (p.Lys2606Glu).